The following is an entry in ClinVar:

ClinVar aggregate classification (germline): Uncertain significance. Review status: criteria provided, multiple submitters, no conflicts (2 of 4 stars). 2 submissions from 2 submitters: Uncertain significance (2). Last evaluated 2022-11-23.

Conditions:
Hereditary cancer-predisposing syndrome. Also called: Tumor predisposition; Hereditary Cancer Syndrome; Neoplastic Syndromes, Hereditary; Hereditary neoplastic syndrome. Identifiers: Orphanet 140162, MedGen C0027672, MeSH D009386, MONDO:0015356.

Allele frequency attached by ClinVar (database versions not stated): gnomAD exomes below 0.00001.
gnomAD v4.1: 2 of 1,613,856 alleles (0.00012%); highest among the groups gnomAD compares: South Asian, 0.0011%; no homozygotes.

Submissions (2):

Labcorp Genetics (formerly Invitae), Labcorp
Classification: Uncertain significance for Hereditary cancer-predisposing syndrome. Last evaluated: 2022-11-23. Review status: criteria provided, single submitter. Criteria: Invitae Variant Classification Sherloc (09022015). Collection method: clinical testing. Allele origin: germline.
Comment: In summary, the available evidence is currently insufficient to determine the role of this variant in disease. Therefore, it has been classified as a Variant of Uncertain Significance. Advanced modeling of protein sequence and biophysical properties (such as structural, functional, and spatial information, amino acid conservation, physicochemical variation, residue mobility, and thermodynamic stability) performed at Invitae indicates that this missense variant is not expected to disrupt RAD50 protein function. ClinVar contains an entry for this variant (Variation ID: 822145). This variant has not been reported in the literature in individuals affected with RAD50-related conditions. This variant is not present in population databases (gnomAD no frequency). This sequence change replaces isoleucine, which is neutral and non-polar, with threonine, which is neutral and polar, at codon 364 of the RAD50 protein (p.Ile364Thr).

Ambry Genetics
Classification: Uncertain significance for Hereditary cancer-predisposing syndrome. Last evaluated: 2019-05-17. Review status: criteria provided, single submitter. Criteria: Ambry Variant Classification Scheme 2023. Collection method: clinical testing. Allele origin: germline.
Comment: The p.I364T variant (also known as c.1091T>C), located in coding exon 8 of the RAD50 gene, results from a T to C substitution at nucleotide position 1091. The isoleucine at codon 364 is replaced by threonine, an amino acid with similar properties. This amino acid position is well conserved in available vertebrate species. In addition, this alteration is predicted to be tolerated by in silico analysis. Since supporting evidence is limited at this time, the clinical significance of this alteration remains unclear.

NM_005732.4(RAD50):c.1091T>C (p.Ile364Thr)

Gene: RAD50 (RAD50 double strand break repair protein; plus strand). Cytogenetic location: 5q31.1.
Variant type: single nucleotide variant.
Coding change: c.1091T>C on transcript NM_005732.4 (MANE Select); coding-DNA position 1091, T replaced by C.
Protein change: p.Ile364Thr; replaces isoleucine 364 with threonine.
Molecular consequence: missense variant.
Genome position (GRCh38, 1-based): chr5:132,588,726, T>C. VCF-style: chr5-132588726-T-C. GRCh37 (hg19) VCF-style: chr5-131924418-T-C.
Other names: short protein forms I364T.
Identifiers: ClinVar variation 822145 (VCV000822145.7), dbSNP rs1580992709, ClinGen allele CA360942258.
Genomic context (GRCh38, chr5:132,588,726, plus strand): 5'-ATGAGATTTTTTTTTTAAAAGGTCGTCTACAGCTGCAAGCAGATCGCCATCAAGAACATA[T>C]CCGAGCTAGAGATTCATTAATTCAGTCTTTGGCAACACAGCTAGAATTGGATGGCTTTGA-3'
Protein context (NP_005723.2, residues 354-374): QLQADRHQEH[Ile364Thr]RARDSLIQSL